The following is an entry in ClinVar:

ClinVar aggregate classification (germline): Uncertain significance (1 of 4 stars; one submission).

gnomAD v4.1: 1 of 1,612,386 alleles (0.000062%); highest among the groups gnomAD compares: Non-Finnish European, 0.000085%; no homozygotes.

Submission:

GeneDx
Classification: Uncertain significance. Last evaluated: 2022-04-12. Review status: criteria provided, single submitter. Criteria: GeneDx Variant Classification Process June 2021. Collection method: clinical testing. Allele origin: germline. Affected: yes.
Comment: Not observed at significant frequency in large population cohorts (gnomAD); In silico analysis supports that this missense variant does not alter protein structure/function; Has not been previously published as pathogenic or benign to our knowledge

NM_001085458.2(CTNND1):c.2756G>T (p.Arg919Leu)

Genes: CTNND1 (catenin delta 1; plus strand), TMX2-CTNND1 (TMX2-CTNND1 readthrough (NMD candidate); plus strand). Cytogenetic location: 11q12.1.
Variant type: single nucleotide variant.
Coding change: c.2756G>T on transcript NM_001085458.2 (MANE Select); coding-DNA position 2756, G replaced by T.
Protein change: p.Arg919Leu; replaces arginine 919 with leucine.
Molecular consequence: missense variant. On other transcripts: non-coding transcript variant (1).
Genome position (GRCh38, 1-based): chr11:57,815,448, G>T. VCF-style: chr11-57815448-G-T. GRCh37 (hg19) VCF-style: chr11-57582920-G-T.
Other names: c.2738G>T, p.Arg913Leu (NM_001085459.2, NM_001085460.2, NM_001085461.2 and 1 more transcripts); c.2453G>T, p.Arg818Leu (NM_001085463.2, NM_001085466.2); c.2435G>T, p.Arg812Leu (NM_001085464.2, NM_001085467.2, NM_001085468.2 and 2 more transcripts); c.2372G>T, p.Arg791Leu (NM_001085465.2); c.2594G>T, p.Arg865Leu (NM_001206883.2, NM_001206884.2); c.2756G>T, p.Arg919Leu (NM_001206885.2); c.2576G>T, p.Arg859Leu (NM_001206886.2, NM_001206888.2, NM_001206889.2 and 1 more transcripts); c.2513G>T, p.Arg838Leu (NM_001206887.2); and 1 more; short protein forms R791L, R812L, R818L, R838L, R859L, R865L, R892L, R913L.
Identifiers: ClinVar variation 1710543 (VCV001710543.2), dbSNP rs779873488, ClinGen allele CA380816412.